The following is an entry in ClinVar:

NM_016734.3(PAX5):c.91C>T (p.Arg31Trp)

Gene: PAX5 (paired box 5; minus strand). Cytogenetic location: 9p13.2.
Variant type: single nucleotide variant.
Coding change: c.91C>T on transcript NM_016734.3 (MANE Select); coding-DNA position 91, C replaced by T.
Protein change: p.Arg31Trp; replaces arginine 31 with tryptophan.
Molecular consequence: missense variant. On other transcripts: non-coding transcript variant (2), intron variant (2).
Genome position (GRCh38, 1-based): chr9:37,020,757, G>A on the plus strand (C>T on the coding strand, the complement: PAX5 is on the minus strand). VCF-style: chr9-37020757-G-A. GRCh37 (hg19) VCF-style: chr9-37020754-G-A.
Other names: c.91C>T, p.Arg31Trp (NM_001280547.2, NM_001280548.2, NM_001280549.2 and 5 more transcripts); c.-112-5563C>T (NM_001280551.2, NM_001280556.2); short protein forms R31W.
Identifiers: ClinVar variation 4809714 (VCV004809714.1).

ClinVar aggregate classification (germline): Uncertain significance (1 of 4 stars; one submission).

gnomAD v4.1: 1 of 1,614,008 alleles (0.000062%); highest among the groups gnomAD compares: Non-Finnish European, 0.000085%; no homozygotes.

Submission:

Labcorp Genetics (formerly Invitae), Labcorp
Classification: Uncertain significance. Last evaluated: 2025-05-09. Review status: criteria provided, single submitter. Criteria: Invitae Variant Classification Sherloc (09022015). Collection method: clinical testing. Allele origin: germline.
Comment: This sequence change replaces arginine, which is basic and polar, with tryptophan, which is neutral and slightly polar, at codon 31 of the PAX5 protein (p.Arg31Trp). This variant is not present in population databases (gnomAD no frequency). This variant has not been reported in the literature in individuals affected with PAX5-related conditions. Invitae Evidence Modeling of protein sequence and biophysical properties (such as structural, functional, and spatial information, amino acid conservation, physicochemical variation, residue mobility, and thermodynamic stability) indicates that this missense variant is expected to disrupt PAX5 protein function with a positive predictive value of 80%. In summary, the available evidence is currently insufficient to determine the role of this variant in disease. Therefore, it has been classified as a Variant of Uncertain Significance.